The following is an entry in ClinVar:

ClinVar aggregate classification (germline): Uncertain significance (1 of 4 stars; one submission).

Submission:

Labcorp Genetics (formerly Invitae), Labcorp
Classification: Uncertain significance. Last evaluated: 2023-12-02. Review status: criteria provided, single submitter. Criteria: Invitae Variant Classification Sherloc (09022015). Collection method: clinical testing. Allele origin: germline.
Comment: This sequence change replaces glycine, which is neutral and non-polar, with alanine, which is neutral and non-polar, at codon 1371 of the COL7A1 protein (p.Gly1371Ala). This variant is not present in population databases (gnomAD no frequency). This variant has not been reported in the literature in individuals affected with COL7A1-related conditions. Advanced modeling of protein sequence and biophysical properties (such as structural, functional, and spatial information, amino acid conservation, physicochemical variation, residue mobility, and thermodynamic stability) performed at Invitae indicates that this missense variant is expected to disrupt COL7A1 protein function with a positive predictive value of 95%. This variant disrupts the triple helix domain of COL7A1. Glycine residues within the Gly-Xaa-Yaa repeats of the triple helix domain are required for the structure and stability of fibrillar collagens (PMID: 7695699, 8218237, 19344236), and variants at these glycine residues in COL7A1 are more frequently observed in individuals with disease than in the general population (PMID: 22058051). However, the clinical significance of this observation remains uncertain since only a limited number of affected individuals have been described to date. In summary, the available evidence is currently insufficient to determine the role of this variant in disease. Therefore, it has been classified as a Variant of Uncertain Significance.

Literature cited by the submitters: PubMed 7695699; PubMed 8218237; PubMed 19344236; PubMed 22058051.

NM_000094.4(COL7A1):c.4112G>C (p.Gly1371Ala)

Gene: COL7A1 (collagen type VII alpha 1 chain; minus strand). Cytogenetic location: 3p21.31.
Variant type: single nucleotide variant.
Coding change: c.4112G>C on transcript NM_000094.4 (MANE Select); coding-DNA position 4112, G replaced by C.
Protein change: p.Gly1371Ala; replaces glycine 1371 with alanine.
Molecular consequence: missense variant.
Genome position (GRCh38, 1-based): chr3:48,584,492, C>G on the plus strand (G>C on the coding strand, the complement: COL7A1 is on the minus strand). VCF-style: chr3-48584492-C-G. GRCh37 (hg19) VCF-style: chr3-48621925-C-G.
Other names: short protein forms G1371A.
Identifiers: ClinVar variation 2887777 (VCV002887777.3), dbSNP rs2531170337, ClinGen allele CA352695706.